The following is an entry in ClinVar:

ClinVar aggregate classification (germline): Uncertain significance. Review status: criteria provided, multiple submitters, no conflicts (2 of 4 stars). 3 submissions from 3 submitters: Uncertain significance (3). Last evaluated 2025-08-02.

Conditions:
Inborn genetic diseases. Identifiers: MedGen C0950123, MeSH D030342.
Nemaline myopathy 6 (NEM6). Also called: Nemaline myopathy 6, autosomal dominant. Identifiers: Orphanet 171439, MedGen C1836472, MONDO:0012237, OMIM 609273.

Allele frequency attached by ClinVar (database versions not stated): gnomAD 0.00001; gnomAD exomes 0.00001 and 0.00002; TOPMed 0.00001; ExAC 0.00005.
gnomAD v4.1: 18 of 1,580,188 alleles (0.0011%); highest among the groups gnomAD compares: South Asian, 0.0034%; no homozygotes.

Submissions (3):

Ambry Genetics
Classification: Uncertain significance for Inborn genetic diseases. Last evaluated: 2025-08-02. Review status: criteria provided, single submitter. Criteria: Ambry Variant Classification Scheme 2023. Collection method: clinical testing. Allele origin: germline.

Labcorp Genetics (formerly Invitae), Labcorp
Classification: Uncertain significance for Nemaline myopathy 6. Last evaluated: 2024-11-11. Review status: criteria provided, single submitter. Criteria: Invitae Variant Classification Sherloc (09022015). Collection method: clinical testing. Allele origin: germline.
Comment: This sequence change replaces proline, which is neutral and non-polar, with serine, which is neutral and polar, at codon 431 of the KBTBD13 protein (p.Pro431Ser). This variant is present in population databases (rs755476256, gnomAD 0.005%). This variant has not been reported in the literature in individuals affected with KBTBD13-related conditions. ClinVar contains an entry for this variant (Variation ID: 951321). An algorithm developed to predict the effect of missense changes on protein structure and function (PolyPhen-2) suggests that this variant is likely to be disruptive. In summary, the available evidence is currently insufficient to determine the role of this variant in disease. Therefore, it has been classified as a Variant of Uncertain Significance.

GeneDx
Classification: Uncertain significance. Last evaluated: 2019-06-21. Review status: criteria provided, single submitter. Criteria: GeneDx Variant Classification Process June 2021. Collection method: clinical testing. Allele origin: germline. Affected: yes.
Comment: In silico analysis, which includes protein predictors and evolutionary conservation, supports a deleterious effect; Has not been previously published as pathogenic or benign to our knowledge

NM_001101362.3(KBTBD13):c.1291C>T (p.Pro431Ser)

Gene: KBTBD13 (kelch repeat and BTB domain containing 13; plus strand). Cytogenetic location: 15q22.31.
Variant type: single nucleotide variant.
Coding change: c.1291C>T on transcript NM_001101362.3 (MANE Select); coding-DNA position 1291, C replaced by T.
Protein change: p.Pro431Ser; replaces proline 431 with serine.
Molecular consequence: missense variant.
Genome position (GRCh38, 1-based): chr15:65,078,106, C>T. VCF-style: chr15-65078106-C-T. GRCh37 (hg19) VCF-style: chr15-65370444-C-T.
Other names: short protein forms P431S.
Identifiers: ClinVar variation 951321 (VCV000951321.12), dbSNP rs755476256, ClinGen allele CA7614117.